The following is an entry in ClinVar:

ClinVar aggregate classification (germline): Uncertain significance (1 of 4 stars; one submission).

Conditions:
Frasier syndrome. Identifiers: Orphanet 347, MedGen C0950122, MeSH D052159, MONDO:0007635, OMIM 136680.
Drash syndrome (DDS). Also called: NEPHROPATHY, WILMS TUMOR, AND GENITAL ANOMALIES; WILMS TUMOR AND PSEUDO- OR TRUE HERMAPHRODITISM. Identifiers: Orphanet 220, MedGen C0950121, MONDO:0008682, OMIM 194080.
Wilms tumor 1 (WT1). Also called: Wilms tumor, somatic. Identifiers: Orphanet 654, MedGen CN033288, MONDO:0008679, OMIM 194070.
11p partial monosomy syndrome (WAGR). Also called: WAGR Complex; WAGR syndrome; CHROMOSOME 11p13 DELETION SYNDROME; WAGR Spectrum Disorder. Identifiers: Orphanet 893, MedGen C0206115, MONDO:0008681, OMIM 194072.

Submission:

Labcorp Genetics (formerly Invitae), Labcorp
Classification: Uncertain significance for Wilms tumor 1; Drash syndrome; 11p partial monosomy syndrome; Frasier syndrome. Last evaluated: 2021-05-20. Review status: criteria provided, single submitter. Criteria: Invitae Variant Classification Sherloc (09022015). Collection method: clinical testing. Allele origin: germline.
Comment: Based on the reading frame of the WT1 transcript, NM_024426.4, this nonsense variant occurs between a non-canonical translation start site (CTG) at codon 1, which produces a longer isoform with a 68 amino acid extension at the N-terminus (PMID: 8621495), and a known downstream ATG start site at codon 69. The known ATG methionine is primarily used to initiate translation of a biologically active WT1 protein (PMID: 1671709, 18385267, 16987884, 28811308). Experimental studies have shown that knockout mice lacking the N-terminal 68 amino acids develop normally and are reproductive (PMID: 12640141). Based on these results, the impact of this variant on WT1 protein function is uncertain. This sequence change creates a premature translational stop signal (p.Gln2*) in the WT1 gene. It is uncertain whether it will result in an absent or disrupted protein product because the in-frame ATG methionine located at codon 69 is preferentially used for translation initiation, and therefore has the potential to rescue WT1 protein function. The frequency data for this variant in the population databases is considered unreliable, as metrics indicate insufficient coverage at this position in the ExAC database. This variant has not been reported in the literature in individuals with WT1-related conditions. In summary, the available evidence is currently insufficient to determine the role of this variant in disease. Therefore, it has been classified as a Variant of Uncertain Significance.

Literature cited by the submitters: PubMed 8621495; PubMed 1671709; PubMed 18385267; PubMed 16987884; PubMed 28811308; PubMed 12640141.

NM_024426.6(WT1):c.19C>T (p.Gln7Ter)

Genes: WT1 (WT1 transcription factor; minus strand), LOC107982234 (WT1/WT1-AS bi-directional promoter region; plus strand). Cytogenetic location: 11p13.
Variant type: single nucleotide variant.
Coding change: c.19C>T on transcript NM_024426.6 (MANE Select); coding-DNA position 19, C replaced by T.
Protein change: p.Gln7Ter; replaces glutamine 7 with a stop codon.
Molecular consequence: nonsense. On other transcripts: non-coding transcript variant (1).
Genome position (GRCh38, 1-based): chr11:32,435,342, G>A on the plus strand (C>T on the coding strand, the complement: WT1 is on the minus strand). VCF-style: chr11-32435342-G-A. GRCh37 (hg19) VCF-style: chr11-32456888-G-A.
Other names: c.19C>T, p.Gln7Ter (NM_000378.6, NM_024424.5); short protein forms Q7*.
Identifiers: ClinVar variation 1447204 (VCV001447204.8), dbSNP rs2133108011, ClinGen allele CA379966557.